The following is an entry in ClinVar:

ClinVar aggregate classification (germline): Benign. Review status: criteria provided, multiple submitters, no conflicts (2 of 4 stars). 4 submissions from 4 submitters: Benign (3). 1 of the submissions does not count toward it. Last evaluated 2024-11-28.

Conditions:
KRT17-related disorder. Also called: KRT17-related condition.

Allele frequency attached by ClinVar (database versions not stated): ESP Exome Variant Server 0.08931; 1000 Genomes Project 0.11482; 1000 Genomes Project 30x 0.11836; TOPMed 0.15137.
gnomAD v4.1: 193,959 of 1,607,102 alleles (12%); highest among the groups gnomAD compares: African/African-American, 24%; 13,141 homozygotes.

Submissions (4):

Blueprint Genetics
Classification: Benign. Last evaluated: 2024-11-28. Review status: criteria provided, single submitter. Criteria: ACMG Guidelines, 2015. Collection method: clinical testing. Allele origin: germline.

GeneDx
Classification: Benign. Last evaluated: 2016-04-28. Review status: criteria provided, single submitter. Criteria: GeneDx Variant Classification (06012015). Collection method: clinical testing. Allele origin: germline. Affected: yes.
Comment: This variant is considered likely benign or benign based on one or more of the following criteria: it is a conservative change, it occurs at a poorly conserved position in the protein, it is predicted to be benign by multiple in silico algorithms, and/or has population frequency not consistent with disease.

Breakthrough Genomics
Classification: Benign. Review status: criteria provided, single submitter. Criteria: ACMG Guidelines, 2015. Collection method: not provided. Allele origin: germline. Inheritance: Autosomal dominant inheritance. Affected: yes.

PreventionGenetics, part of Exact Sciences
Classification: Benign for KRT17-related condition. Last evaluated: 2019-12-16. Review status: no assertion criteria provided. Collection method: clinical testing. Allele origin: germline. Not counted in ClinVar's aggregate classification.
Comment: This variant is classified as benign based on ACMG/AMP sequence variant interpretation guidelines (Richards et al. 2015 PMID: 25741868, with internal and published modifications).

NM_000422.3(KRT17):c.-6G>C

Gene: KRT17 (keratin 17; minus strand). Cytogenetic location: 17q21.2.
Variant type: single nucleotide variant.
Coding change: c.-6G>C on transcript NM_000422.3 (MANE Select); 6 bases upstream of the start codon, G replaced by C.
Molecular consequence: 5 prime UTR variant.
Genome position (GRCh38, 1-based): chr17:41,624,515, C>G on the plus strand (G>C on the coding strand, the complement: KRT17 is on the minus strand). VCF-style: chr17-41624515-C-G. GRCh37 (hg19) VCF-style: chr17-39780767-C-G.
Identifiers: ClinVar variation 380281 (VCV000380281.5), dbSNP rs11553457, ClinGen allele CA8563894.